The following continues an entry in ClinVar:

NM_024675.4(PALB2):c.3549C>G (p.Tyr1183Ter)

Gene: PALB2. ClinVar aggregate classification (germline): Pathogenic/Likely pathogenic. Pathogenic (22); Likely pathogenic (3).

Submissions 9 to 22 of 31:

Blueprint Genetics
Classification: Pathogenic for PALB2-related disorders. Last evaluated: 2024-08-19. Review status: criteria provided, single submitter. Criteria: ACMG Guidelines, 2015. Collection method: clinical testing. Allele origin: germline. Affected: yes. Observed: 5 variant alleles.

Color Diagnostics, LLC DBA Color Health
Classification: Pathogenic for Hereditary cancer-predisposing syndrome. Last evaluated: 2024-07-09. Review status: criteria provided, single submitter. Criteria: ACMG Guidelines, 2015. Collection method: clinical testing. Allele origin: germline.
Comment: This variant changes 1 nucleotide in exon 13 of the PALB2 gene, creating a premature translation stop signal in the last coding exon. A structural study suggests that this variant interferes with protein folding and may destabilize PALB2 protein (PMID: 19609323), and PALB2 protein was not detectable in cell culture from an individual carrying this variant (PMID: 17200671). A functional study has reported that this variant disrupted PALB2 function in a homology-mediated DNA repair and cisplatin-sensitivity assays (PMID: 31757951). This variant protein has been reported in more than 44 individuals affected with breast cancer (including bilateral, triple-negative, and male breast cancer), ovarian cancer, pancreatic cancer, and in biallelic carriers affected with Fanconi anemia (PMID: 17200668, 17200671, 20927582, 21365267, 22241545, 24415441, 25099575, 25225577, 25452441, 26283626, 26296701, 26315354, 26641009, 26681312, 26898890, 28008555, 29360161, 31575519, 32012241, 32339256, 32546565, 34113003). In addition, this variant segregated with disease in at least one family (PMID: 21365267). This variant has been identified in 4/251420 chromosomes in the general population by the Genome Aggregation Database (gnomAD). Loss of PALB2 function is a known mechanism of disease. Based on the available evidence, this variant is classified as Pathogenic.

Baylor Genetics
Classification: Pathogenic for Familial cancer of breast. Last evaluated: 2024-01-22. Review status: criteria provided, single submitter. Criteria: ACMG Guidelines, 2015. Collection method: clinical testing. Allele origin: unknown.

Institute for Biomarker Research, Medical Diagnostic Laboratories, L.L.C.
Classification: Likely pathogenic for Hereditary cancer-predisposing syndrome. Last evaluated: 2022-11-15. Review status: criteria provided, single submitter. Criteria: ACMG Guidelines, 2015. Collection method: clinical testing. Allele origin: germline.

GeneDx
Classification: Pathogenic. Last evaluated: 2022-03-18. Review status: criteria provided, single submitter. Criteria: GeneDx Variant Classification Process June 2021. Collection method: clinical testing. Allele origin: germline. Affected: yes.
Comment: Nonsense variant predicted to result in protein truncation in a gene for which loss-of-function is a known mechanism of disease; Published functional studies demonstrate a damaging effect: defective homologous recombination (HR) efficiency, reduced resistance to cisplatin and PARP, and increased mitotic index indicating a defective checkpoint (Boonan 2019); Not observed at significant frequency in large population cohorts (gnomAD); This variant is associated with the following publications: (PMID: 23935381, 19584259, 26845104, 27356891, 17200668, 17200671, 24728327, 22241545, 26898890, 25099575, 24949998, 26681312, 28873162, 19609323, 20927582, 28008555, 26283626, 24415441, 28779002, 29360161, 29753700, 29785153, 30322717, 31159747, 29625052, 32339256, 32546565, 34113003, 33882707, 24485656, 20871615, 31757951)

Genetics and Molecular Pathology, SA Pathology
Classification: Pathogenic for Familial cancer of breast. Last evaluated: 2022-02-22. Review status: criteria provided, single submitter. Criteria: ACMG Guidelines, 2015. Collection method: clinical testing. Allele origin: germline. Affected: yes.

Baylor Genetics
Classification: Pathogenic for Familial cancer of breast. Last evaluated: 2021-08-24. Review status: criteria provided, single submitter. Criteria: ACMG Guidelines, 2015. Collection method: clinical testing. Allele origin: maternal. Affected: yes. Study: CSER-TexasKidsCanSeq.
Comment: This variant was determined to be pathogenic according to ACMG Guidelines, 2015 [PMID:25741868].

Sema4
Classification: Pathogenic for Hereditary cancer-predisposing syndrome. Last evaluated: 2021-03-13. Review status: criteria provided, single submitter. Criteria: Sema4 Curation Guidelines. Collection method: curation. Allele origin: germline.
Comment: The PALB2 c.3549C>G (p.Y1183X) variant has been reported in heterozygosity in multiple individuals with breast, ovarian, or pancreatic cancer (PMID: 26681312, 29360161, 31159747, 32339256, among others). In addition, the variant has been reported as compound heterozygous with a truncating allele in two families with Fanconi anemia - Type N, one of which showed no detectable PALB2 protein in a lymphoblastoid cell line (PMID: 17200671). Functional studies have shown that this variant could not rescue homologous recombination activity, showed resistance to PARP inhibitor and cisplatin, and showed little to no PALB2 protein expression in mouse embryonic stem cells (PMID: 31757951). As this variant is not predicted to cause nonsense-mediated decay, the protein product is expected to be truncated and is likely to cause misfolding of the protein, leading to rapid degradation (PMID: 31757951). Loss of function variants in PALB2 are known to be pathogenic (PMID: 25099575). This variant was observed in 4/113726 chromosomes in the European (non-Finnish) population, with no homozygotes, according to the Genome Aggregation Database (PMID: 32461654). This variant has been reported in ClinVar (Variation ID: 1245). Based on the current evidence available, this variant is interpreted as pathogenic.

Department of Molecular Diagnostics, Institute of Oncology Ljubljana
Classification: Likely pathogenic for Familial cancer of breast. Last evaluated: 2020-04-02. Review status: criteria provided, single submitter. Criteria: ACMG Guidelines, 2015. Collection method: clinical testing. Allele origin: germline. Affected: yes.

GeneKor MSA
Classification: Pathogenic. Last evaluated: 2020-01-01. Review status: criteria provided, single submitter. Criteria: ACMG Guidelines, 2015. Collection method: clinical testing. Allele origin: germline. Affected: no.
Comment: This variant is a single amino acid change from Tyrosine to a Termination codon at amino acid residue 1183 of the PALB2 gene and it is expected to delete the last 4 amino acids of the PALB2 protein. This variant has been reported in individuals affected with breast, ovarian and pancreatic cancer, and Fanconi anemia (PMID: 17200668, 26315354, 17200671, 21365267, 22241545). Experimental studies have shown that this variant prevents closure of the WD40 ring structure and destabilizes the PALB2 protein in cell culture (PMID: 19609323). Truncating variants in PALB2 are known to be pathogenic. The mutation database Clinvar contains entries for this variant (Variation ID: 1245).

Women's Health and Genetics/Laboratory Corporation of America, LabCorp
Classification: Pathogenic for Familial cancer of breast. Last evaluated: 2019-11-29. Review status: criteria provided, single submitter. Criteria: LabCorp Variant Classification Summary - May 2015. Collection method: clinical testing. Allele origin: germline.
Comment: Variant summary: PALB2 c.3549C>G (p.Tyr1183X) results in a premature termination codon, predicted to cause a truncation of the encoded protein or absence of the protein due to nonsense mediated decay, which are commonly known mechanisms for disease. Another truncation at this position has been classified as pathogenic by our laboratory. The variant allele was found at a frequency of 1.6e-05 in 251420 control chromosomes. c.3549C>G has been reported in the literature in multiple individuals affected with Breast Cancer as well as Fanconi Anemia (e.g. Antoniou_2014, Susswein_2016, Reid_2007). These data indicate that the variant is very likely to be associated with disease. Nine clinical diagnostic laboratories have submitted clinical-significance assessments for this variant to ClinVar after 2014 without evidence for independent evaluation. All laboratories classified the variant as pathogenic/likely pathogenic. Based on the evidence outlined above, the variant was classified as pathogenic.

Cambridge Genomics Laboratory, East Genomic Laboratory Hub, NHS Genomic Medicine Service
Classification: Pathogenic for Hereditary breast ovarian cancer syndrome. Last evaluated: 2019-06-28. Review status: criteria provided, single submitter. Criteria: ACGS Best Practice Guidelines for Variant Classification in Rare Disease 2020. Collection method: clinical testing. Allele origin: germline. Affected: yes. Observed: 1 variant allele.

Revvity Omics, Revvity
Classification: Pathogenic. Last evaluated: 2019-05-14. Review status: criteria provided, single submitter. Criteria: ACMG Guidelines, 2015. Collection method: clinical testing. Allele origin: germline.

Illumina Laboratory Services, Illumina
Classification: Pathogenic for PALB2-Related Disorders. Last evaluated: 2019-01-29. Review status: criteria provided, single submitter. Criteria: ICSLVariantClassificationCriteria RUGD 01 April 2020. Collection method: clinical testing. Allele origin: unknown.
Comment: The PALB2 c.3549C>G (p.Tyr1183Ter) variant is a stop-gained variant that is predicted to result in a truncated protein. The variant has also been reported in trans with a second null variant in two unrelated individuals with Fanconi anemia (Reid et al. 2007). A different nucleotide change resulting in the same amino acid change has also been reported in a compound heterozygous state in an individual with Fanconi anemia (Reid et al. 2007). The p.Tyr1183Ter variant was absent from 1260 control individuals but is reported at a frequency of 0.000035 in the European (non-Finnish) population of the Genome Aggregation Database. Structural studies based on X-ray crystallography predict that loss of the last four residues of PALB2 caused by p.Tyr1183Ter disrupts the hydrogen bonding in the seventh blade of the beta-propeller, resulting in a misfolded and quickly degraded protein (Oliver et al. 2009). This prediction is consistent with the lack of detectable protein expression found in lymphoblastoid cells from compound heterozygous patients with Fanconi anemia (Reid et al. 2007). Based on the collective evidence, the p.Tyr1183Ter variant is classified as pathogenic for PALB2-related disorders.